The following is an entry in ClinVar:

ClinVar aggregate classification (germline): Uncertain significance (1 of 4 stars; one submission).

Allele frequency attached by ClinVar (database versions not stated): gnomAD exomes below 0.00001.
gnomAD v4.1: 1 of 1,610,996 alleles (0.000062%); highest among the groups gnomAD compares: Non-Finnish European, 0.000085%; no homozygotes.

Submission:

Labcorp Genetics (formerly Invitae), Labcorp
Classification: Uncertain significance. Last evaluated: 2022-09-27. Review status: criteria provided, single submitter. Criteria: Invitae Variant Classification Sherloc (09022015). Collection method: clinical testing. Allele origin: germline.
Comment: Algorithms developed to predict the effect of missense changes on protein structure and function are either unavailable or do not agree on the potential impact of this missense change (SIFT: "Deleterious"; PolyPhen-2: "Benign"; Align-GVGD: "Class C0"). In summary, the available evidence is currently insufficient to determine the role of this variant in disease. Therefore, it has been classified as a Variant of Uncertain Significance. This variant has not been reported in the literature in individuals affected with ERBIN-related conditions. This variant is not present in population databases (gnomAD no frequency). This sequence change replaces leucine, which is neutral and non-polar, with phenylalanine, which is neutral and non-polar, at codon 735 of the ERBIN protein (p.Leu735Phe).

NM_001253697.2(ERBIN):c.2205G>T (p.Leu735Phe)

Gene: ERBIN (erbb2 interacting protein; plus strand). Cytogenetic location: 5q12.3.
Variant type: single nucleotide variant.
Coding change: c.2205G>T on transcript NM_001253697.2 (MANE Select); coding-DNA position 2205, G replaced by T.
Protein change: p.Leu735Phe; replaces leucine 735 with phenylalanine.
Molecular consequence: missense variant.
Genome position (GRCh38, 1-based): chr5:66,053,523, G>T. VCF-style: chr5-66053523-G-T. GRCh37 (hg19) VCF-style: chr5-65349351-G-T.
Other names: c.2205G>T, p.Leu735Phe (NM_001006600.3, NM_001253698.2, NM_001253699.2 and 1 more transcripts); c.2193G>T, p.Leu731Phe (NM_001253701.2); short protein forms L731F, L735F.
Identifiers: ClinVar variation 2115354 (VCV002115354.4), dbSNP rs2546810718, ClinGen allele CA359864401.